The following is an entry in ClinVar:

ClinVar aggregate classification (germline): Pathogenic (1 of 4 stars; one submission).

Submission:

ISCA site 15
Classification: Pathogenic. Last evaluated: 2011-08-12. Review status: criteria provided, single submitter. Criteria: Kaminsky et al. (Genet Med. 2011). Collection method: clinical testing. Allele origin: de novo. Affected: yes. Observed: 1 variant allele.
Comment: Copy number variation identified through the course of routine clinical cytogenomic testing in postnatal populations. Clinical assertions have been curated as described in Kaminsky et al. 2011.

GRCh38/hg38 5q31.2-32(chr5:138871137-145812309)x1

Genes: ANKHD1 (ankyrin repeat and KH domain containing 1; plus strand), ANKHD1-DT (ANKHD1 divergent transcript; minus strand), ANKHD1-EIF4EBP3 (ANKHD1-EIF4EBP3 readthrough; plus strand), APBB3 (amyloid beta precursor protein binding family B member 3; minus strand), ARAP3 (ArfGAP with RhoGAP domain, ankyrin repeat and PH domain 3; minus strand) and 374 more. Cytogenetic location: 5q31.2-32.
Variant type: copy number loss.
Change: copy number 1 (one copy instead of two) of chr5:138,871,137-145,812,309 (6.94 Mb, GRCh38 coordinates, 1-based), cytogenetic band 5q31.2-32.
Identifiers: ClinVar variation 58388 (VCV000058388.1).